The following is an entry in ClinVar:

NM_001378609.3(OTOGL):c.5561A>G (p.His1854Arg)

Gene: OTOGL (otogelin like; plus strand). Cytogenetic location: 12q21.31.
Variant type: single nucleotide variant.
Coding change: c.5561A>G on transcript NM_001378609.3 (MANE Select); coding-DNA position 5561, A replaced by G.
Protein change: p.His1854Arg; replaces histidine 1854 with arginine.
Molecular consequence: missense variant.
Genome position (GRCh38, 1-based): chr12:80,353,478, A>G. VCF-style: chr12-80353478-A-G. GRCh37 (hg19) VCF-style: chr12-80747258-A-G.
Other names: c.5426A>G, p.His1809Arg (NM_001368062.3); c.5561A>G, p.His1854Arg (NM_001378610.3, NM_173591.7); short protein forms H1809R, H1854R.
Identifiers: ClinVar variation 4083477 (VCV004083477.4).
Genomic context (GRCh38, chr12:80,353,478, plus strand): 5'-CCTGTTTGAATCTAAGAGAAGACTGTGTGTGCAAAGTTGGAACTATTCTTCACAGGCCAC[A>G]TTCAGCCCAGTGCATTCCAGAGAAAGAGTGTGGTAAGACACAAAGTACAAAATGACTTCT-3'
Protein context (NP_001365538.2, residues 1844-1864): CKVGTILHRP[His1854Arg]SAQCIPEKEC

ClinVar aggregate classification (germline): Uncertain significance. Review status: criteria provided, multiple submitters, no conflicts (2 of 4 stars). 3 submissions from 3 submitters: Uncertain significance (3). Last evaluated 2026-07-28.

Conditions:
OTOGL-related disorder. Also called: OTOGL-related condition.

gnomAD v4.1: 41 of 1,598,282 alleles (0.0026%); highest among the groups gnomAD compares: East Asian, 0.0067%; no homozygotes.

Submissions (3):

GeneDx
Classification: Uncertain significance. Last evaluated: 2026-07-28. Review status: criteria provided, single submitter. Criteria: GeneDx Variant Classification Process June 2021. Collection method: clinical testing. Allele origin: germline.
Comment: Not observed at significant frequency in large population cohorts (gnomAD); In silico analysis supports that this missense variant has a deleterious effect on protein structure/function; Has not been previously published as pathogenic or benign to our knowledge

PreventionGenetics, part of Exact Sciences
Classification: Uncertain significance for OTOGL-related condition. Last evaluated: 2025-09-04. Review status: criteria provided, single submitter. Criteria: ACMG Guidelines, 2015. Collection method: clinical testing. Allele origin: germline.
Comment: The OTOGL c.5534A>G variant is predicted to result in the amino acid substitution p.His1845Arg. To our knowledge, this variant has not been reported in the literature. This variant is reported in 0.0059% of alleles in individuals of East Asian descent in gnomAD. At this time, the clinical significance of this variant is uncertain due to the absence of conclusive functional and genetic evidence.

Blueprint Genetics
Classification: Uncertain significance. Last evaluated: 2024-10-23. Review status: criteria provided, single submitter. Criteria: ACMG Guidelines, 2015. Collection method: clinical testing. Allele origin: germline.